The following is an entry in ClinVar:

ClinVar aggregate classification (germline): Uncertain significance (1 of 4 stars; one submission).

Conditions:
Epilepsy, familial adult myoclonic, 5 (EPEO5). Also called: CORTICAL MYOCLONIC TREMOR WITH EPILEPSY, FAMILIAL, 5. Identifiers: Orphanet 86814, MedGen C3809374, MONDO:0014167, OMIM 615400.

Allele frequency attached by ClinVar (database versions not stated): gnomAD exomes below 0.00001; ExAC 0.00002.
gnomAD v4.1: 4 of 1,613,840 alleles (0.00025%); highest among the groups gnomAD compares: Admixed American, 0.0017%; no homozygotes.

Submission:

Labcorp Genetics (formerly Invitae), Labcorp
Classification: Uncertain significance for Epilepsy, familial adult myoclonic, 5. Last evaluated: 2023-09-25. Review status: criteria provided, single submitter. Criteria: Invitae Variant Classification Sherloc (09022015). Collection method: clinical testing. Allele origin: germline.
Comment: This variant has not been reported in the literature in individuals affected with CNTN2-related conditions. This variant is present in population databases (rs748302990, gnomAD 0.007%). This sequence change replaces glycine, which is neutral and non-polar, with arginine, which is basic and polar, at codon 725 of the CNTN2 protein (p.Gly725Arg). Advanced modeling of protein sequence and biophysical properties (such as structural, functional, and spatial information, amino acid conservation, physicochemical variation, residue mobility, and thermodynamic stability) performed at Invitae indicates that this missense variant is not expected to disrupt CNTN2 protein function. In summary, the available evidence is currently insufficient to determine the role of this variant in disease. Therefore, it has been classified as a Variant of Uncertain Significance.

NM_005076.5(CNTN2):c.2173G>A (p.Gly725Arg)

Gene: CNTN2 (contactin 2; plus strand). Cytogenetic location: 1q32.1.
Variant type: single nucleotide variant.
Coding change: c.2173G>A on transcript NM_005076.5 (MANE Select); coding-DNA position 2173, G replaced by A.
Protein change: p.Gly725Arg; replaces glycine 725 with arginine.
Molecular consequence: missense variant. On other transcripts: non-coding transcript variant (1).
Genome position (GRCh38, 1-based): chr1:205,069,538, G>A. VCF-style: chr1-205069538-G-A. GRCh37 (hg19) VCF-style: chr1-205038666-G-A.
Other names: c.2173G>A, p.Gly725Arg (NM_001346083.2); short protein forms G725R.
Identifiers: ClinVar variation 2983700 (VCV002983700.3), dbSNP rs748302990, ClinGen allele CA1351619.